The following is an entry in ClinVar:

ClinVar aggregate classification (germline): Uncertain significance. Review status: criteria provided, multiple submitters, no conflicts (2 of 4 stars). 3 submissions from 3 submitters: Uncertain significance (3). Last evaluated 2025-12-19.

Allele frequency attached by ClinVar (database versions not stated): gnomAD 0.00003; TOPMed 0.00003; ExAC 0.00007; ESP Exome Variant Server 0.00015.
gnomAD v4.1: 63 of 1,612,244 alleles (0.0039%); highest among the groups gnomAD compares: Non-Finnish European, 0.0016%; no homozygotes.

Submissions (3):

Women's Health and Genetics/Laboratory Corporation of America, LabCorp
Classification: Uncertain significance. Last evaluated: 2025-12-19. Review status: criteria provided, single submitter. Criteria: LabCorp Variant Classification Summary - May 2015. Collection method: clinical testing. Allele origin: germline.
Comment: Variant summary: TTN c.1141G>A (p.Gly381Ser) results in a non-conservative amino acid change in the encoded protein sequence. Algorithms developed to predict the effect of missense changes on protein structure and function are either unavailable or do not agree on the potential impact of this missense change. The variant allele was found at a frequency of 6.8e-05 in 249742 control chromosomes. This frequency is not significantly higher than estimated for disease-causing variants in TTN, allowing no conclusion about variant significance. To our knowledge, no occurrence of c.1141G>A in individuals affected with TTN-related conditions and no experimental evidence demonstrating its impact on protein function have been reported. ClinVar contains an entry for this variant (Variation ID: 2438405). Based on the evidence outlined above, the variant was classified as uncertain significance.

CeGaT Center for Human Genetics Tuebingen
Classification: Uncertain significance. Last evaluated: 2023-03-01. Review status: criteria provided, single submitter. Criteria: CeGaT Center For Human Genetics Tuebingen Variant Classification Criteria Version 2. Collection method: clinical testing. Allele origin: germline. Affected: yes. Observed: 1 variant allele.
Comment: TTN: PM2:Supporting

Revvity Omics, Revvity
Classification: Uncertain significance. Last evaluated: 2022-08-04. Review status: criteria provided, single submitter. Criteria: ACMG Guidelines, 2015. Collection method: clinical testing. Allele origin: germline.

NM_001267550.2(TTN):c.1141G>A (p.Gly381Ser)

Gene: TTN (titin; minus strand). Cytogenetic location: 2q31.2.
Variant type: single nucleotide variant.
Coding change: c.1141G>A on transcript NM_001267550.2 (MANE Select); coding-DNA position 1141, G replaced by A.
Protein change: p.Gly381Ser; replaces glycine 381 with serine.
Molecular consequence: missense variant.
Genome position (GRCh38, 1-based): chr2:178,795,026, C>T on the plus strand (G>A on the coding strand, the complement: TTN is on the minus strand). VCF-style: chr2-178795026-C-T. GRCh37 (hg19) VCF-style: chr2-179659753-C-T.
Other names: c.1141G>A, p.Gly381Ser (NM_001256850.1, NM_003319.4, NM_133378.4 and 3 more transcripts); short protein forms G381S.
Identifiers: ClinVar variation 2438405 (VCV002438405.28), dbSNP rs200848334, ClinGen allele CA2006138.